The following is an entry in ClinVar:

ClinVar aggregate classification (germline): Conflicting classifications of pathogenicity. Review status: criteria provided, conflicting classifications (1 of 4 stars). 3 submissions from 3 submitters: Uncertain significance (1); Likely benign (2). Last evaluated 2025-11-01.

Conditions:
Retinitis pigmentosa (RP). Identifiers: Orphanet 791, MedGen C0035334, MeSH D012174, MONDO:0019200, OMIM 268000. Inheritance: Autosomal dominant, autosomal recessive and X linked inheritance.

Allele frequency attached by ClinVar (database versions not stated): gnomAD exomes 0.00002 and 0.00004; ExAC 0.00005; TOPMed 0.00006; gnomAD 0.00007 and 0.00008; ESP Exome Variant Server 0.00008.

Submissions (3):

CeGaT Center for Human Genetics Tuebingen
Classification: Likely benign. Last evaluated: 2025-11-01. Review status: criteria provided, single submitter. Criteria: CeGaT Center For Human Genetics Tuebingen Variant Classification Criteria Version 2. Collection method: clinical testing. Allele origin: germline. Affected: yes. Observed: 1 variant allele.
Comment: RBP3: BP4, BP7

Labcorp Genetics (formerly Invitae), Labcorp
Classification: Likely benign. Last evaluated: 2025-06-17. Review status: criteria provided, single submitter. Criteria: Invitae Variant Classification Sherloc (09022015). Collection method: clinical testing. Allele origin: germline.

Illumina Laboratory Services, Illumina
Classification: Uncertain significance for Retinitis pigmentosa. Last evaluated: 2018-03-30. Review status: criteria provided, single submitter. Criteria: ICSL Variant Classification Criteria 13 December 2019. Collection method: clinical testing. Allele origin: germline.

NM_002900.3(RBP3):c.1647G>A (p.Ala549=)

Gene: RBP3 (retinol binding protein 3; plus strand). Cytogenetic location: 10q11.22.
Variant type: single nucleotide variant.
Coding change: c.1647G>A on transcript NM_002900.3 (MANE Select); coding-DNA position 1647, G replaced by A.
Protein change: p.Ala549=; no amino-acid change (alanine 549 retained).
Molecular consequence: synonymous variant.
Genome position (GRCh38, 1-based): chr10:47,350,131, G>A. VCF-style: chr10-47350131-G-A. GRCh37 (hg19) VCF-style: chr10-48389231-C-T.
Identifiers: ClinVar variation 879348 (VCV000879348.12), dbSNP rs146715054, ClinGen allele CA5487467.
Genomic context (GRCh38, chr10:47,350,131, plus strand): 5'-ACGCTACAGCACCCAACGTGGGGTGTATCTGCTCACCAGCCACCGCACCGCCACGGCCGC[G>A]GAGGAGTTCGCCTTCCTTATGCAGTCGCTGGGCTGGGCCACACTGGTAGGTGAGATCACC-3'
Protein context (NP_002891.1, residues 539-559): LLTSHRTATA[Ala549=]EEFAFLMQSL